The following is an entry in ClinVar:

ClinVar aggregate classification (germline): Likely pathogenic (1 of 4 stars; one submission).

Conditions:
Autosomal recessive nonsyndromic hearing loss 28. Identifiers: Orphanet 90636, MedGen C1853276, MONDO:0012355, OMIM 609823.

Submission:

Juno Genomics, Hangzhou Juno Genomics, Inc
Classification: Likely pathogenic for Autosomal recessive nonsyndromic hearing loss 28. Review status: criteria provided, single submitter. Criteria: ACMG Guidelines, 2015. Collection method: clinical testing. Allele origin: germline.
Comment: Null variant in a gene where loss of function (LOF) is a known mechanism of disease.;Absent from controls (or at extremely low frequency if recessive) in Genome Aggregation Database.

NM_001039141.3(TRIOBP):c.3833del (p.Pro1278fs)

Gene: TRIOBP (TRIO and F-actin binding protein; plus strand). Cytogenetic location: 22q13.1.
Variant type: Deletion.
Coding change: c.3833del on transcript NM_001039141.3 (MANE Select); coding-DNA position 3833, one base deleted (C; older notation c.3833delC).
Protein change: p.Pro1278fs; shifts the reading frame from proline 1278.
Molecular consequence: frameshift variant.
Genome position (GRCh38, 1-based): chr22:37,726,389, C deleted; the last of 5 consecutive C bases (chr22:37,726,385-37,726,389); deleting any one gives the same sequence. VCF-style (leftmost placement, unchanged base first): chr22-37726384-GC-G. GRCh37 (hg19) VCF-style: chr22-38122391-GC-G.
Other names: short protein forms P1278fs.
Identifiers: ClinVar variation 5006489 (VCV005006489.2).